The following is an entry in ClinVar:

ClinVar aggregate classification (germline): Likely benign. Review status: criteria provided, multiple submitters, no conflicts (2 of 4 stars). 2 submissions from 2 submitters: Likely benign (2). Last evaluated 2022-01-24.

Conditions:
Hereditary diffuse gastric adenocarcinoma (HDGC). Also called: DIFFUSE GASTRIC AND LOBULAR BREAST CANCER SYNDROME. Identifiers: Orphanet 26106, MedGen C1708349, MONDO:0007648, OMIM 137215.

Submissions (2):

Labcorp Genetics (formerly Invitae), Labcorp
Classification: Likely benign for Hereditary diffuse gastric adenocarcinoma. Last evaluated: 2022-01-24. Review status: criteria provided, single submitter. Criteria: Invitae Variant Classification Sherloc (09022015). Collection method: clinical testing. Allele origin: germline.

Women's Health and Genetics/Laboratory Corporation of America, LabCorp
Classification: Likely benign. Last evaluated: 2021-09-04. Review status: criteria provided, single submitter. Criteria: LabCorp Variant Classification Summary - May 2015. Collection method: clinical testing. Allele origin: germline.
Comment: Variant summary: CDH1 c.516T>G alters a non-conserved nucleotide resulting in a synonymous change. 4/4 computational tools predict no significant impact on normal splicing. However, these predictions have yet to be confirmed by functional studies. The variant was absent in 251320 control chromosomes. The available data on variant occurrences in the general population are insufficient to allow any conclusion about variant significance. To our knowledge, no occurrence of c.516T>G in individuals affected with Breast Cancer and no experimental evidence demonstrating its impact on protein function have been reported. No clinical diagnostic laboratories have submitted clinical-significance assessments for this variant to ClinVar after 2014. Based on the evidence outlined above, the variant was classified as likely benign.

NM_004360.5(CDH1):c.516T>G (p.Pro172=)

Gene: CDH1 (cadherin 1; plus strand). Cytogenetic location: 16q22.1.
Variant type: single nucleotide variant.
Coding change: c.516T>G on transcript NM_004360.5 (MANE Select); coding-DNA position 516, T replaced by G.
Protein change: p.Pro172=; no amino-acid change (proline 172 retained).
Molecular consequence: synonymous variant. On other transcripts: 5 prime UTR variant (2).
Genome position (GRCh38, 1-based): chr16:68,808,552, T>G. VCF-style: chr16-68808552-T-G. GRCh37 (hg19) VCF-style: chr16-68842455-T-G.
Other names: c.516T>G, p.Pro172= (NM_001317184.2); c.-1100T>G (NM_001317185.2); c.-1304T>G (NM_001317186.2).
Identifiers: ClinVar variation 1301352 (VCV001301352.6), dbSNP rs2152129814, ClinGen allele CA496392258.
Genomic context (GRCh38, chr16:68,808,552, plus strand): 5'-GAAGAGAGACTGGGTTATTCCTCCCATCAGCTGCCCAGAAAATGAAAAAGGCCCATTTCC[T>G]AAAAACCTGGTTCAGGTAGAGAAAGAAGTTCTCTGTTTCTCTGGGAGGGATTTGGCAGAG-3'
Protein context (NP_004351.1, residues 162-182): SCPENEKGPF[Pro172=]KNLVQIKSNK